The following is an entry in ClinVar:

ClinVar aggregate classification (germline): Likely benign. Review status: criteria provided, single submitter (1 of 4 stars). 2 submissions from 2 submitters: Likely benign (1). 1 of the submissions does not count toward it. Last evaluated 2025-12-23.

Conditions:
KDM6A-related disorder. Also called: KDM6A-related condition.
Kabuki syndrome 2 (KABUK2). Also called: KDM6A-Related Kabuki Syndrome. Identifiers: Orphanet 2322, MedGen C3275495, MONDO:0010465, OMIM 300867.

Allele frequency attached by ClinVar (database versions not stated): gnomAD exomes 0.00002 and 0.00003; TOPMed 0.00004; ExAC 0.00005; gnomAD 0.00005 and 0.00006; ESP Exome Variant Server 0.00009.
gnomAD v4.1: 28 of 1,206,767 alleles (0.0023%); highest among the groups gnomAD compares: South Asian, 0.0053%; no homozygotes.

Submissions (2):

Labcorp Genetics (formerly Invitae), Labcorp
Classification: Likely benign for Kabuki syndrome 2. Last evaluated: 2025-12-23. Review status: criteria provided, single submitter. Criteria: Invitae Variant Classification Sherloc (09022015). Collection method: clinical testing. Allele origin: germline.

PreventionGenetics, part of Exact Sciences
Classification: Likely benign for KDM6A-related condition. Last evaluated: 2019-09-13. Review status: no assertion criteria provided. Collection method: clinical testing. Allele origin: germline. Not counted in ClinVar's aggregate classification.
Comment: This variant is classified as likely benign based on ACMG/AMP sequence variant interpretation guidelines (Richards et al. 2015 PMID: 25741868, with internal and published modifications).

NM_001291415.2(KDM6A):c.870C>T (p.Leu290=)

Gene: KDM6A (lysine demethylase 6A; plus strand). Cytogenetic location: Xp11.3.
Variant type: single nucleotide variant.
Coding change: c.870C>T on transcript NM_001291415.2 (MANE Select); coding-DNA position 870, C replaced by T.
Protein change: p.Leu290=; no amino-acid change (leucine 290 retained).
Molecular consequence: synonymous variant. On other transcripts: non-coding transcript variant (1).
Genome position (GRCh38, 1-based): chrX:45,053,950, C>T. VCF-style: chrX-45053950-C-T. GRCh37 (hg19) VCF-style: chrX-44913195-C-T.
Other names: c.870C>T, p.Leu290= (NM_001291416.2, NM_001291417.2, NM_001291418.2 and 1 more transcripts); c.117C>T, p.Leu39= (NM_001291421.2); c.870C>T (NM_021140.3).
Identifiers: ClinVar variation 1603317 (VCV001603317.10), dbSNP rs369438801, ClinGen allele CA10392274.